The following is an entry in ClinVar:

ClinVar aggregate classification (germline): Uncertain significance. Review status: criteria provided, multiple submitters, no conflicts (2 of 4 stars). 2 submissions from 2 submitters: Uncertain significance (2). Last evaluated 2025-04-07.

Conditions:
Gorlin syndrome. Also called: Nevoid Basal Cell Carcinoma Syndrome; Basal cell nevus syndrome. Identifiers: Orphanet 377, MedGen C0004779, MONDO:0007187.
Medulloblastoma (MDB). Also called: Medulloblastoma, somatic; MEDULLOBLASTOMA PREDISPOSITION SYNDROME. Identifiers: Orphanet 616, MedGen C0025149, MeSH D008527, MONDO:0007959, OMIM 155255, HP:0002885.
Hereditary cancer-predisposing syndrome. Also called: Hereditary Cancer Syndrome; Neoplastic Syndromes, Hereditary; Hereditary neoplastic syndrome; Tumor predisposition. Identifiers: Orphanet 140162, MedGen C0027672, MeSH D009386, MONDO:0015356.

Submissions (2):

Labcorp Genetics (formerly Invitae), Labcorp
Classification: Uncertain significance for Gorlin syndrome; Medulloblastoma. Last evaluated: 2025-04-07. Review status: criteria provided, single submitter. Criteria: Invitae Variant Classification Sherloc (09022015). Collection method: clinical testing. Allele origin: germline.
Comment: This sequence change replaces threonine, which is neutral and polar, with alanine, which is neutral and non-polar, at codon 305 of the SUFU protein (p.Thr305Ala). This variant is not present in population databases (gnomAD no frequency). This variant has not been reported in the literature in individuals affected with SUFU-related conditions. ClinVar contains an entry for this variant (Variation ID: 823044). An algorithm developed to predict the effect of missense changes on protein structure and function (PolyPhen-2) suggests that this variant is likely to be tolerated. In summary, the available evidence is currently insufficient to determine the role of this variant in disease. Therefore, it has been classified as a Variant of Uncertain Significance.

Ambry Genetics
Classification: Uncertain significance for Hereditary cancer-predisposing syndrome. Last evaluated: 2023-03-06. Review status: criteria provided, single submitter. Criteria: Ambry Variant Classification Scheme 2023. Collection method: clinical testing. Allele origin: germline.
Comment: The p.T305A variant (also known as c.913A>G), located in coding exon 8 of the SUFU gene, results from an A to G substitution at nucleotide position 913. The threonine at codon 305 is replaced by alanine, an amino acid with similar properties. This amino acid position is highly conserved in available vertebrate species. In addition, the in silico prediction for this alteration is inconclusive. Since supporting evidence is limited at this time, the clinical significance of this alteration remains unclear.

NM_016169.4(SUFU):c.913A>G (p.Thr305Ala)

Gene: SUFU (SUFU negative regulator of hedgehog signaling; plus strand). Cytogenetic location: 10q24.32.
Variant type: single nucleotide variant.
Coding change: c.913A>G on transcript NM_016169.4 (MANE Select); coding-DNA position 913, A replaced by G.
Protein change: p.Thr305Ala; replaces threonine 305 with alanine.
Molecular consequence: missense variant.
Genome position (GRCh38, 1-based): chr10:102,599,435, A>G. VCF-style: chr10-102599435-A-G. GRCh37 (hg19) VCF-style: chr10-104359192-A-G.
Other names: c.913A>G, p.Thr305Ala (NM_001178133.2); short protein forms T305A.
Identifiers: ClinVar variation 823044 (VCV000823044.9), dbSNP rs1590067989, ClinGen allele CA377910992.